The following is an entry in ClinVar:

ClinVar aggregate classification (germline): Uncertain significance (1 of 4 stars; one submission).

Conditions:
MHC class I deficiency. Identifiers: Orphanet 34592, MedGen C6024714, MONDO:0011476.

Allele frequency attached by ClinVar (database versions not stated): gnomAD exomes below 0.00001; ExAC 0.00001; gnomAD 0.00005; TOPMed 0.00005.
gnomAD v4.1: 11 of 1,612,720 alleles (0.00068%); highest among the groups gnomAD compares: African/African-American, 0.011%; no homozygotes.

Submission:

Labcorp Genetics (formerly Invitae), Labcorp
Classification: Uncertain significance for MHC class I deficiency 1. Last evaluated: 2022-02-22. Review status: criteria provided, single submitter. Criteria: Invitae Variant Classification Sherloc (09022015). Collection method: clinical testing. Allele origin: germline.
Comment: This sequence change replaces methionine, which is neutral and non-polar, with valine, which is neutral and non-polar, at codon 313 of the TAP1 protein (p.Met313Val). This variant is present in population databases (rs749166119, gnomAD 0.007%). This variant has not been reported in the literature in individuals affected with TAP1-related conditions. Algorithms developed to predict the effect of missense changes on protein structure and function are either unavailable or do not agree on the potential impact of this missense change (SIFT: "Deleterious"; PolyPhen-2: "Possibly Damaging"; Align-GVGD: "Class C0"). In summary, the available evidence is currently insufficient to determine the role of this variant in disease. Therefore, it has been classified as a Variant of Uncertain Significance.

NM_000593.6(TAP1):c.757A>G (p.Met253Val)

Gene: TAP1 (transporter 1, ATP binding cassette subfamily B member; minus strand). Cytogenetic location: 6p21.32.
Variant type: single nucleotide variant.
Coding change: c.757A>G on transcript NM_000593.6 (MANE Select); coding-DNA position 757, A replaced by G.
Protein change: p.Met253Val; replaces methionine 253 with valine.
Molecular consequence: missense variant.
Genome position (GRCh38, 1-based): chr6:32,852,196, T>C on the plus strand (A>G on the coding strand, the complement: TAP1 is on the minus strand). VCF-style: chr6-32852196-T-C. GRCh37 (hg19) VCF-style: chr6-32819973-T-C.
Other names: c.154A>G, p.Met52Val (NM_001292022.2); short protein forms M52V, M253V.
Identifiers: ClinVar variation 2184556 (VCV002184556.1), dbSNP rs749166119, ClinGen allele CA3746935.